The following is an entry in ClinVar:

NM_000553.6(WRN):c.3517G>T (p.Val1173Phe)

Gene: WRN (WRN RecQ like helicase; plus strand). Cytogenetic location: 8p12.
Variant type: single nucleotide variant.
Coding change: c.3517G>T on transcript NM_000553.6 (MANE Select); coding-DNA position 3517, G replaced by T.
Protein change: p.Val1173Phe; replaces valine 1173 with phenylalanine.
Molecular consequence: missense variant.
Genome position (GRCh38, 1-based): chr8:31,147,421, G>T. VCF-style: chr8-31147421-G-T. GRCh37 (hg19) VCF-style: chr8-31004937-G-T.
Other names: short protein forms V1173F.
Identifiers: ClinVar variation 458459 (VCV000458459.3), dbSNP rs971816710, ClinGen allele CA174905097.

ClinVar aggregate classification (germline): Uncertain significance (1 of 4 stars; one submission).

Conditions:
Werner syndrome (WRN). Identifiers: Orphanet 902, MedGen C0043119, MONDO:0010196, OMIM 277700.

Allele frequency attached by ClinVar (database versions not stated): gnomAD 0.00001; TOPMed 0.00001.
gnomAD v4.1: 1 of 1,613,922 alleles (0.000062%); highest among the groups gnomAD compares: Admixed American, 0.0017%; no homozygotes.

Submission:

Labcorp Genetics (formerly Invitae), Labcorp
Classification: Uncertain significance for Werner syndrome. Last evaluated: 2022-05-27. Review status: criteria provided, single submitter. Criteria: Invitae Variant Classification Sherloc (09022015). Collection method: clinical testing. Allele origin: germline.
Comment: This sequence change replaces valine, which is neutral and non-polar, with phenylalanine, which is neutral and non-polar, at codon 1173 of the WRN protein (p.Val1173Phe). This variant is not present in population databases (gnomAD no frequency). This variant has not been reported in the literature in individuals affected with WRN-related conditions. ClinVar contains an entry for this variant (Variation ID: 458459). Algorithms developed to predict the effect of missense changes on protein structure and function output the following: SIFT: "Not Available"; PolyPhen-2: "Probably Damaging"; Align-GVGD: "Not Available". The phenylalanine amino acid residue is found in multiple mammalian species, which suggests that this missense change does not adversely affect protein function. In summary, the available evidence is currently insufficient to determine the role of this variant in disease. Therefore, it has been classified as a Variant of Uncertain Significance.